The following is an entry in ClinVar:

NM_002474.3(MYH11):c.4096A>T (p.Ile1366Phe)

Genes: MYH11 (myosin heavy chain 11; minus strand), NDE1 (nudE neurodevelopment protein 1; plus strand). Cytogenetic location: 16p13.11.
Variant type: single nucleotide variant.
Coding change: c.4096A>T on transcript NM_002474.3 (MANE Select); coding-DNA position 4096, A replaced by T.
Protein change: p.Ile1366Phe; replaces isoleucine 1366 with phenylalanine.
Molecular consequence: missense variant. On other transcripts: 3 prime UTR variant (2).
Genome position (GRCh38, 1-based): chr16:15,724,667, T>A on the plus strand (A>T on the coding strand, the complement: MYH11 is on the minus strand). VCF-style: chr16-15724667-T-A. GRCh37 (hg19) VCF-style: chr16-15818524-T-A.
Other names: c.4117A>T, p.Ile1373Phe (NM_001040113.2, NM_001040114.2); c.4096A>T, p.Ile1366Phe (NM_022844.3); c.*416T>A (NM_001143979.2, NM_017668.3); c.4117A>T (NM_001040113.1); short protein forms I1366F, I1373F.
Identifiers: ClinVar variation 1320883 (VCV001320883.12), dbSNP rs147127121, ClinGen allele CA7921785.
Genomic context (GRCh38, chr16:15,724,667, plus strand): 5'-GAGAGGACCCATGAAGGAAGCAAGGACACGGGGCAGGCACCTGGATGTTGAGAGTGGAGA[T>A]GTGGCGCTCCAGGTTCTGCTTGGCCTCCATCTCCTCGTCCAGCTGGTCTTGCAGGCTGTT-3'
Protein context (NP_002465.1, residues 1356-1376): MEAKQNLERH[Ile1366Phe]STLNIQLSDS

ClinVar aggregate classification (germline): Uncertain significance. Review status: criteria provided, multiple submitters, no conflicts (2 of 4 stars). 7 submissions from 7 submitters: Uncertain significance (7). Last evaluated 2025-08-20.

Conditions:
Familial thoracic aortic aneurysm and aortic dissection (TAAD). Also called: Thoracic aortic aneurysms and dissections. Identifiers: Orphanet 91387, MedGen C4707243, MONDO:0019625.
MYH11-related disorder. Also called: MYH11-related condition.
Aortic aneurysm, familial thoracic 4 (AAT4). Also called: AORTIC ANEURYSM/AORTIC DISSECTION AND PATENT DUCTUS ARTERIOSUS. Identifiers: MedGen C1851504, MONDO:0007568, OMIM 132900.
Visceral myopathy 2. Identifiers: MedGen C5543466, MONDO:0859157, OMIM 619350.
Megacystis-microcolon-intestinal hypoperistalsis syndrome 2. Identifiers: MedGen C5543476, MONDO:0025708, OMIM 619351.

Allele frequency attached by ClinVar (database versions not stated): ExAC 0.00001.
gnomAD v4.1: 2 of 1,614,172 alleles (0.00012%); highest among the groups gnomAD compares: Admixed American, 0.0033%; no homozygotes.

Submissions (7):

Ambry Genetics
Classification: Uncertain significance for Familial thoracic aortic aneurysm and aortic dissection. Last evaluated: 2025-08-20. Review status: criteria provided, single submitter. Criteria: Ambry Variant Classification Scheme 2023. Collection method: clinical testing. Allele origin: germline.

PreventionGenetics, part of Exact Sciences
Classification: Uncertain significance for MYH11-related condition. Last evaluated: 2025-05-20. Review status: criteria provided, single submitter. Criteria: ACMG Guidelines, 2015. Collection method: clinical testing. Allele origin: germline.
Comment: The MYH11 c.4117A>T variant is predicted to result in the amino acid substitution p.Ile1373Phe. To our knowledge, this variant has not been reported in the literature. This variant is reported in 0.0029% of alleles in individuals of Latino descent in gnomAD. At this time, the clinical significance of this variant is uncertain due to the absence of conclusive functional and genetic evidence.

Labcorp Genetics (formerly Invitae), Labcorp
Classification: Uncertain significance for Aortic aneurysm, familial thoracic 4. Last evaluated: 2025-04-21. Review status: criteria provided, single submitter. Criteria: Invitae Variant Classification Sherloc (09022015). Collection method: clinical testing. Allele origin: germline.
Comment: This sequence change replaces isoleucine, which is neutral and non-polar, with phenylalanine, which is neutral and non-polar, at codon 1373 of the MYH11 protein (p.Ile1373Phe). This variant is present in population databases (rs147127121, gnomAD 0.003%). This variant has not been reported in the literature in individuals affected with MYH11-related conditions. ClinVar contains an entry for this variant (Variation ID: 1320883). Invitae Evidence Modeling of protein sequence and biophysical properties (such as structural, functional, and spatial information, amino acid conservation, physicochemical variation, residue mobility, and thermodynamic stability) indicates that this missense variant is not expected to disrupt MYH11 protein function with a negative predictive value of 95%. In summary, the available evidence is currently insufficient to determine the role of this variant in disease. Therefore, it has been classified as a Variant of Uncertain Significance.

All of Us Research Program, National Institutes of Health
Classification: Uncertain significance for Familial thoracic aortic aneurysm and aortic dissection. Last evaluated: 2024-07-10. Review status: criteria provided, single submitter. Criteria: ACMG Guidelines, 2015. Collection method: clinical testing. Allele origin: germline. Inheritance: Autosomal dominant inheritance. Observed: 1 variant allele, 1 heterozygote.
Comment: This missense variant replaces isoleucine with phenylalanine at codon 1373 of the MYH11 protein. Computational prediction tools indicate that this variant has a neutral impact on protein structure and function. To our knowledge, functional studies have not been reported for this variant. This variant has not been reported in individuals affected with MYH11-related disorders in the literature. This variant has been identified in 1/251066 chromosomes in the general population by the Genome Aggregation Database (gnomAD). The available evidence is insufficient to determine the role of this variant in disease conclusively. Therefore, this variant is classified as a Variant of Uncertain Significance.

This study involves interpretation of variants in research participants for the purpose of population health screening. Participant phenotype was not available at the time of variant classification. Additional details can be found in publication PMID: 35346344, PMCID: PMC8962531

Color Diagnostics, LLC DBA Color Health
Classification: Uncertain significance for Familial thoracic aortic aneurysm and aortic dissection. Last evaluated: 2024-02-20. Review status: criteria provided, single submitter. Criteria: ACMG Guidelines, 2015. Collection method: clinical testing. Allele origin: germline.
Comment: This missense variant replaces isoleucine with phenylalanine at codon 1373 of the MYH11 protein. Computational prediction tools indicate that this variant has a neutral impact on protein structure and function. To our knowledge, functional studies have not been reported for this variant. This variant has not been reported in individuals affected with MYH11-related disorders in the literature. This variant has been identified in 1/251066 chromosomes in the general population by the Genome Aggregation Database (gnomAD). The available evidence is insufficient to determine the role of this variant in disease conclusively. Therefore, this variant is classified as a Variant of Uncertain Significance.

GeneDx
Classification: Uncertain significance. Last evaluated: 2021-08-30. Review status: criteria provided, single submitter. Criteria: GeneDx Variant Classification Process June 2021. Collection method: clinical testing. Allele origin: germline. Affected: yes.
Comment: Has not been previously published as pathogenic or benign to our knowledge; Not observed at significant frequency in large population cohorts (Lek et al., 2016); In silico analysis supports that this missense variant has a deleterious effect on protein structure/function

Fulgent Genetics
Classification: Uncertain significance for Aortic aneurysm, familial thoracic 4; Visceral myopathy 2; Megacystis-microcolon-intestinal hypoperistalsis syndrome 2. Last evaluated: 2021-08-02. Review status: criteria provided, single submitter. Criteria: ACMG Guidelines, 2015. Collection method: clinical testing. Allele origin: unknown.